The following is an entry in ClinVar:

ClinVar aggregate classification (germline): Uncertain significance. Review status: criteria provided, multiple submitters, no conflicts (2 of 4 stars). 5 submissions from 5 submitters: Uncertain significance (5). Last evaluated 2024-10-29.

Conditions:
Autosomal recessive ataxia, Beauce type. Also called: SYNE1 Deficiency; SYNE1-Related Autosomal Recessive Cerebellar Ataxia; ATAXIA, RECESSIVE, OF BEAUCE; Spinocerebellar ataxia, autosomal recessive 8. Identifiers: Orphanet 88644, MedGen C1853116, MONDO:0012549, OMIM 610743.
Emery-Dreifuss muscular dystrophy 4, autosomal dominant (EDMD4). Also called: EMERY-DREIFUSS MUSCULAR DYSTROPHY 4 WITH VARIABLE FEATURES. Identifiers: Orphanet 261, MedGen C2751807, MONDO:0013071, OMIM 612998.

Allele frequency attached by ClinVar (database versions not stated): gnomAD exomes 0.00001 and 0.00005; gnomAD 0.00002 and 0.00003; TOPMed 0.00005; ExAC 0.00007.
gnomAD v4.1: 35 of 1,611,590 alleles (0.0022%); highest among the groups gnomAD compares: East Asian, 0.022%; no homozygotes.

Submissions (5):

Athena Diagnostics
Classification: Uncertain significance. Last evaluated: 2024-10-29. Review status: criteria provided, single submitter. Criteria: Athena Diagnostics Criteria. Collection method: clinical testing. Allele origin: unknown.
Comment: Available data are insufficient to determine the clinical significance of the variant at this time. The frequency of this variant in the general population is higher than would generally be expected for pathogenic variants in this gene. Polyphen and MutationTaster predict this amino acid change may be benign.

Labcorp Genetics (formerly Invitae), Labcorp
Classification: Uncertain significance for Emery-Dreifuss muscular dystrophy 4, autosomal dominant; Autosomal recessive ataxia, Beauce type. Last evaluated: 2024-02-26. Review status: criteria provided, single submitter. Criteria: Invitae Variant Classification Sherloc (09022015). Collection method: clinical testing. Allele origin: germline.
Comment: This sequence change replaces glutamic acid, which is acidic and polar, with alanine, which is neutral and non-polar, at codon 1142 of the SYNE1 protein (p.Glu1142Ala). This variant is present in population databases (rs764928878, gnomAD 0.07%). This variant has not been reported in the literature in individuals affected with SYNE1-related conditions. ClinVar contains an entry for this variant (Variation ID: 440318). An algorithm developed to predict the effect of missense changes on protein structure and function (PolyPhen-2) suggests that this variant¬¨‚Ä†is likely to be tolerated. In summary, the available evidence is currently insufficient to determine the role of this variant in disease. Therefore, it has been classified as a Variant of Uncertain Significance.

GeneDx
Classification: Uncertain significance. Last evaluated: 2023-12-09. Review status: criteria provided, single submitter. Criteria: GeneDx Variant Classification Process June 2021. Collection method: clinical testing. Allele origin: germline. Affected: yes.
Comment: In silico analysis supports that this missense variant has a deleterious effect on protein structure/function; Has not been previously published as pathogenic or benign to our knowledge

Blueprint Genetics
Classification: Uncertain significance. Last evaluated: 2023-10-30. Review status: criteria provided, single submitter. Criteria: ACMG Guidelines, 2015. Collection method: clinical testing. Allele origin: germline.

ARUP Laboratories, Molecular Genetics and Genomics, ARUP Laboratories
Classification: Uncertain significance. Last evaluated: 2017-03-10. Review status: criteria provided, single submitter. Criteria: ARUP Molecular Germline Variant Investigation Process. Collection method: clinical testing. Allele origin: germline.

NM_182961.4(SYNE1):c.3404A>C (p.Glu1135Ala)

Gene: SYNE1 (spectrin repeat containing nuclear envelope protein 1; minus strand). Cytogenetic location: 6q25.2.
Variant type: single nucleotide variant.
Coding change: c.3404A>C on transcript NM_182961.4 (MANE Select); coding-DNA position 3404, A replaced by C.
Protein change: p.Glu1135Ala; replaces glutamic acid 1135 with alanine.
Molecular consequence: missense variant.
Genome position (GRCh38, 1-based): chr6:152,449,633, T>G on the plus strand (A>C on the coding strand, the complement: SYNE1 is on the minus strand). VCF-style: chr6-152449633-T-G. GRCh37 (hg19) VCF-style: chr6-152770768-T-G.
Other names: c.3404A>C (NM_182961.2); c.3425A>C, p.Glu1142Ala (NM_033071.5); c.3425A>C (NM_033071.3); short protein forms E1135A, E1142A.
Identifiers: ClinVar variation 440318 (VCV000440318.17), dbSNP rs764928878, ClinGen allele CA4058848.